The following is an entry in ClinVar:

NM_001037333.3(CYFIP2):c.259C>A (p.Arg87Ser)

Gene: CYFIP2 (cytoplasmic FMR1 interacting protein 2; plus strand). Cytogenetic location: 5q33.3.
Variant type: single nucleotide variant.
Coding change: c.259C>A on transcript NM_001037333.3 (MANE Select); coding-DNA position 259, C replaced by A.
Protein change: p.Arg87Ser; replaces arginine 87 with serine.
Molecular consequence: missense variant. On other transcripts: intron variant (1).
Genome position (GRCh38, 1-based): chr5:157,294,834, C>A. VCF-style: chr5-157294834-C-A. GRCh37 (hg19) VCF-style: chr5-156721843-C-A.
Other names: c.259C>A, p.Arg87Ser (NM_001291722.2, NM_014376.4); c.208-1839C>A (NM_001291721.2); c.259C>A (NM_001291722.1); short protein forms R87S.
Identifiers: ClinVar variation 802171 (VCV000802171.3), dbSNP rs1131692231, ClinGen allele CA361965780.
Genomic context (GRCh38, chr5:157,294,834, plus strand): 5'-CCATTTCAGAATGAGATGCTGGAGGAAGGACATGAGTATGCGGTCATGCTGTACACCTGG[C>A]GCAGCTGTTCCCGGGCCATTCCCCAGGTGAGACTGTCCTTGTTGTGTGTCTCTTTCCCCT-3'
Protein context (NP_001032410.1, residues 77-97): HEYAVMLYTW[Arg87Ser]SCSRAIPQVK

ClinVar aggregate classification (germline): Likely pathogenic. Review status: criteria provided, single submitter (1 of 4 stars). 2 submissions from 2 submitters: Likely pathogenic (1). 1 of the submissions does not count toward it. Last evaluated 2019-05-28.

Conditions:
CYFIP2-related disorder. Also called: CYFIP2-related condition.
Developmental and epileptic encephalopathy, 65. Also called: EPILEPTIC ENCEPHALOPATHY, EARLY INFANTILE, 65. Identifiers: MedGen C4693925, MONDO:0033374, OMIM 618008.

Submissions (2):

Mendelics
Classification: Likely pathogenic for Developmental and epileptic encephalopathy, 65. Last evaluated: 2019-05-28. Review status: criteria provided, single submitter. Criteria: Mendelics Assertion Criteria 2017. Collection method: clinical testing. Allele origin: unknown.

PreventionGenetics, part of Exact Sciences
Classification: Pathogenic for CYFIP2-related condition. Last evaluated: 2023-11-03. Review status: no assertion criteria provided. Collection method: clinical testing. Allele origin: germline. Not counted in ClinVar's aggregate classification.
Comment: The CYFIP2 c.259C>A variant is predicted to result in the amino acid substitution p.Arg87Ser. This variant and multiple other substitutions at this amino acid position (Cys, Leu, Pro, His) have been reported in 14 patients with neurodevelopmental disorder, being confirmed as de novo in 13 of the cases with both parents available for testing (Begemann. 2021. PubMed ID: 33149277). This variant has not been reported in a large population database, indicating this variant is rare. This variant is interpreted as pathogenic.